The following is an entry in ClinVar:

ClinVar aggregate classification (germline): Uncertain significance (1 of 4 stars; one submission).

Submission:

Labcorp Genetics (formerly Invitae), Labcorp
Classification: Uncertain significance. Last evaluated: 2025-01-08. Review status: criteria provided, single submitter. Criteria: Invitae Variant Classification Sherloc (09022015). Collection method: clinical testing. Allele origin: germline.
Comment: This sequence change replaces glutamic acid, which is acidic and polar, with glutamine, which is neutral and polar, at codon 249 of the PSMA3 protein (p.Glu249Gln). This variant is not present in population databases (gnomAD no frequency). This variant has not been reported in the literature in individuals affected with PSMA3-related conditions. An algorithm developed to predict the effect of missense changes on protein structure and function (PolyPhen-2) suggests that this variant is likely to be tolerated. In summary, the available evidence is currently insufficient to determine the role of this variant in disease. Therefore, it has been classified as a Variant of Uncertain Significance.

NM_002788.4(PSMA3):c.745G>C (p.Glu249Gln)

Genes: PSMA3 (proteasome 20S subunit alpha 3; plus strand), PSMA3-AS1 (PSMA3 antisense RNA 1; minus strand). Cytogenetic location: 14q23.1.
Variant type: single nucleotide variant.
Coding change: c.745G>C on transcript NM_002788.4 (MANE Select); coding-DNA position 745, G replaced by C.
Protein change: p.Glu249Gln; replaces glutamic acid 249 with glutamine.
Molecular consequence: missense variant. On other transcripts: non-coding transcript variant (1).
Genome position (GRCh38, 1-based): chr14:58,271,872, G>C. VCF-style: chr14-58271872-G-C. GRCh37 (hg19) VCF-style: chr14-58738590-G-C.
Other names: c.724G>C, p.Glu242Gln (NM_152132.3); short protein forms E242Q, E249Q.
Identifiers: ClinVar variation 3701214 (VCV003701214.2).